The following is an entry in ClinVar:

NM_004415.4(DSP):c.2379G>A (p.Glu793=)

Gene: DSP (desmoplakin; plus strand). Cytogenetic location: 6p24.3.
Variant type: single nucleotide variant.
Coding change: c.2379G>A on transcript NM_004415.4 (MANE Select); coding-DNA position 2379, G replaced by A.
Protein change: p.Glu793=; no amino-acid change (glutamic acid 793 retained).
Molecular consequence: synonymous variant.
Genome position (GRCh38, 1-based): chr6:7,574,738, G>A. VCF-style: chr6-7574738-G-A. GRCh37 (hg19) VCF-style: chr6-7574971-G-A.
Other names: c.2379G>A, p.Glu793= (NM_001008844.3, NM_001319034.2).
Identifiers: ClinVar variation 2146300 (VCV002146300.8), dbSNP rs201088527, ClinGen allele CA033000.

ClinVar aggregate classification (germline): Likely benign. Review status: criteria provided, multiple submitters, no conflicts (2 of 4 stars). 4 submissions from 4 submitters: Likely benign (4). Last evaluated 2025-08-19.

Conditions:
Arrhythmogenic cardiomyopathy with wooly hair and keratoderma. Also called: Arrhythmogenic cardiomyopathy with woolly hair and keratoderma; PALMOPLANTAR KERATODERMA WITH LEFT VENTRICULAR CARDIOMYOPATHY AND WOOLLY HAIR; Dilated cardiomyopathy with woolly hair and keratoderma; Carvajal syndrome. Identifiers: Orphanet 65282, MedGen C1854063, MONDO:0011581, OMIM 605676.
Cardiovascular phenotype. Identifiers: MedGen CN230736.
Cardiomyopathy (CMYO). Also called: Cardiomyopathies. Identifiers: Orphanet 167848, MedGen C0878544, MONDO:0004994, HP:0001638. Inheritance: Various modes of inheritance.
Arrhythmogenic right ventricular dysplasia 8 (ARVD8). Also called: ARRHYTHMOGENIC RIGHT VENTRICULAR DYSPLASIA, FAMILIAL, 8; ARRHYTHMOGENIC RIGHT VENTRICULAR CARDIOMYOPATHY 8; Arrhythmogenic Right Ventricular Dysplasia/Cardiomyopathy 8. Identifiers: MedGen C1843896, MONDO:0011831, OMIM 607450.

Allele frequency attached by ClinVar (database versions not stated): gnomAD 0.00002; TOPMed 0.00002; 1000 Genomes Project 0.00020; 1000 Genomes Project 30x 0.00031; gnomAD exomes below 0.00001; ExAC 0.00001.
gnomAD v4.1: 10 of 1,614,156 alleles (0.00062%); highest among the groups gnomAD compares: Admixed American, 0.012%; no homozygotes.

Submissions (4):

Labcorp Genetics (formerly Invitae), Labcorp
Classification: Likely benign for Arrhythmogenic cardiomyopathy with wooly hair and keratoderma; Arrhythmogenic right ventricular dysplasia 8. Last evaluated: 2025-08-19. Review status: criteria provided, single submitter. Criteria: Invitae Variant Classification Sherloc (09022015). Collection method: clinical testing. Allele origin: germline.

Ambry Genetics
Classification: Likely benign for Cardiovascular phenotype. Last evaluated: 2025-07-21. Review status: criteria provided, single submitter. Criteria: Ambry Variant Classification Scheme 2023. Collection method: clinical testing. Allele origin: germline.

All of Us Research Program, National Institutes of Health
Classification: Likely benign for Arrhythmogenic cardiomyopathy with wooly hair and keratoderma. Last evaluated: 2024-05-30. Review status: criteria provided, single submitter. Criteria: ACMG Guidelines, 2015. Collection method: clinical testing. Allele origin: germline. Inheritance: Autosomal dominant inheritance. Observed: 2 variant alleles, 2 heterozygotes.
Comment: This study involves interpretation of variants in research participants for the purpose of population health screening. Participant phenotype was not available at the time of variant classification. Additional details can be found in publication PMID: 35346344, PMCID: PMC8962531

Color Diagnostics, LLC DBA Color Health
Classification: Likely benign for Cardiomyopathy. Last evaluated: 2022-11-06. Review status: criteria provided, single submitter. Criteria: ACMG Guidelines, 2015. Collection method: clinical testing. Allele origin: germline.